The following is an entry in ClinVar:

ClinVar aggregate classification (germline): Benign/Likely benign. Review status: criteria provided, multiple submitters, no conflicts (2 of 4 stars). 3 submissions from 3 submitters: Benign (2); Likely benign (1). Last evaluated 2026-02-01.

Allele frequency attached by ClinVar (database versions not stated): 1000 Genomes Project 30x 0.00265; 1000 Genomes Project 0.00280; TOPMed 0.00534; gnomAD 0.00560 and 0.00561; ExAC 0.00621; gnomAD exomes 0.00632 and 0.00807; ESP Exome Variant Server 0.00638.
gnomAD v4.1: 12,545 of 1,613,966 alleles (0.78%); highest among the groups gnomAD compares: Middle Eastern, 1.1%; 65 homozygotes.

Submissions (3):

CeGaT Center for Human Genetics Tuebingen
Classification: Likely benign. Last evaluated: 2026-02-01. Review status: criteria provided, single submitter. Criteria: CeGaT Center For Human Genetics Tuebingen Variant Classification Criteria Version 2. Collection method: clinical testing. Allele origin: germline. Affected: yes. Observed: 4 variant alleles.
Comment: LRP1: BP4, BP7, BS2

Labcorp Genetics (formerly Invitae), Labcorp
Classification: Benign. Last evaluated: 2019-12-31. Review status: criteria provided, single submitter. Criteria: Invitae Variant Classification Sherloc (09022015). Collection method: clinical testing. Allele origin: germline.

Breakthrough Genomics
Classification: Benign. Review status: criteria provided, single submitter. Criteria: ACMG Guidelines, 2015. Collection method: not provided. Allele origin: germline. Inheritance: Autosomal recessive inheritance. Affected: yes.

NM_002332.3(LRP1):c.10179C>T (p.Cys3393=)

Gene: LRP1 (LDL receptor related protein 1; plus strand). Cytogenetic location: 12q13.3.
Variant type: single nucleotide variant.
Coding change: c.10179C>T on transcript NM_002332.3 (MANE Select); coding-DNA position 10179, C replaced by T.
Protein change: p.Cys3393=; no amino-acid change (cysteine 3393 retained).
Molecular consequence: synonymous variant.
Genome position (GRCh38, 1-based): chr12:57,200,769, C>T. VCF-style: chr12-57200769-C-T. GRCh37 (hg19) VCF-style: chr12-57594552-C-T.
Identifiers: ClinVar variation 782220 (VCV000782220.29), dbSNP rs139916336, ClinGen allele CA6644892.
Genomic context (GRCh38, chr12:57,200,769, plus strand): 5'-GTGCCGGCCCGGACAGTTCCAGTGCTCCACAGGTATCTGCACAAACCCTGCCTTCATCTG[C>T]GATGGCGACAATGACTGCCAGGACAACAGTGACGAGGCCAACTGTGGTAAGGCGCTGCCC-3'
Protein context (NP_002323.2, residues 3383-3403): TGICTNPAFI[Cys3393=]DGDNDCQDNS